The following is an entry in ClinVar:

NM_022552.5(DNMT3A):c.1348C>T (p.Pro450Ser)

Gene: DNMT3A (DNA methyltransferase 3 alpha; minus strand). Cytogenetic location: 2p23.3.
Variant type: single nucleotide variant.
Coding change: c.1348C>T on transcript NM_022552.5 (MANE Select); coding-DNA position 1348, C replaced by T.
Protein change: p.Pro450Ser; replaces proline 450 with serine.
Molecular consequence: missense variant. On other transcripts: non-coding transcript variant (1).
Genome position (GRCh38, 1-based): chr2:25,246,241, G>A on the plus strand (C>T on the coding strand, the complement: DNMT3A is on the minus strand). VCF-style: chr2-25246241-G-A. GRCh37 (hg19) VCF-style: chr2-25469110-G-A.
Other names: c.892C>T, p.Pro298Ser (NM_001320893.1); c.679C>T, p.Pro227Ser (NM_001375819.1); c.781C>T, p.Pro261Ser (NM_153759.3); c.1348C>T, p.Pro450Ser (NM_175629.2); short protein forms P450S, P227S, P261S, P298S.
Identifiers: ClinVar variation 4243606 (VCV004243606.1).
Genomic context (GRCh38, chr2:25,246,241, plus strand): 5'-TCTCCTTGACCTTGGGCTTCTCCGCTGTGCTCTTCCGGGGCTTTTTGGCTGGTGGAGGTG[G>A]TGCGTAGGCAGCTGCCTCAGGTTCCACCCACATGTCCGTGTACACTTCTTTGTAGGGATT-3'
Protein context (NP_072046.2, residues 440-460): WVEPEAAAYA[Pro450Ser]PPPAKKPRKS

ClinVar aggregate classification (germline): Uncertain significance (1 of 4 stars; one submission).

Conditions:
Inborn genetic diseases. Identifiers: MedGen C0950123, MeSH D030342.

gnomAD v4.1: 2 of 1,614,032 alleles (0.00012%); highest among the groups gnomAD compares: African/African-American, 0.0027%; no homozygotes.

Submission:

Ambry Genetics
Classification: Uncertain significance for Inborn genetic diseases. Last evaluated: 2025-07-28. Review status: criteria provided, single submitter. Criteria: Ambry Variant Classification Scheme 2023. Collection method: clinical testing. Allele origin: germline.
Comment: The p.P450S variant (also known as c.1348C>T), located in coding exon 10 of the DNMT3A gene, results from a C to T substitution at nucleotide position 1348. The proline at codon 450 is replaced by serine, an amino acid with similar properties. This amino acid position is conserved. In addition, the in silico prediction for this alteration is inconclusive. Based on the available evidence, the clinical significance of this variant remains unclear.